The following is an entry in ClinVar:

ClinVar aggregate classification (germline): Uncertain significance (1 of 4 stars; one submission).

Submission:

Labcorp Genetics (formerly Invitae), Labcorp
Classification: Uncertain significance. Last evaluated: 2024-04-02. Review status: criteria provided, single submitter. Criteria: Invitae Variant Classification Sherloc (09022015). Collection method: clinical testing. Allele origin: germline.
Comment: This sequence change replaces threonine, which is neutral and polar, with proline, which is neutral and non-polar, at codon 77 of the FN1 protein (p.Thr77Pro). This variant is not present in population databases (gnomAD no frequency). This variant has not been reported in the literature in individuals affected with FN1-related conditions. Advanced modeling of protein sequence and biophysical properties (such as structural, functional, and spatial information, amino acid conservation, physicochemical variation, residue mobility, and thermodynamic stability) performed at Invitae indicates that this missense variant is expected to disrupt FN1 protein function with a positive predictive value of 80%. In summary, the available evidence is currently insufficient to determine the role of this variant in disease. Therefore, it has been classified as a Variant of Uncertain Significance.

NM_212482.4(FN1):c.229A>C (p.Thr77Pro)

Gene: FN1 (fibronectin 1; minus strand). Cytogenetic location: 2q35.
Variant type: single nucleotide variant.
Coding change: c.229A>C on transcript NM_212482.4 (MANE Select); coding-DNA position 229, A replaced by C.
Protein change: p.Thr77Pro; replaces threonine 77 with proline.
Molecular consequence: missense variant.
Genome position (GRCh38, 1-based): chr2:215,434,744, T>G on the plus strand (A>C on the coding strand, the complement: FN1 is on the minus strand). VCF-style: chr2-215434744-T-G. GRCh37 (hg19) VCF-style: chr2-216299467-T-G.
Other names: c.229A>C, p.Thr77Pro (NM_001365522.2, NM_001365523.2, NM_001365524.2 and 14 more transcripts); short protein forms T77P.
Identifiers: ClinVar variation 3648464 (VCV003648464.2).